The following is an entry in ClinVar:

NM_152618.3(BBS12):c.689T>C (p.Ile230Thr)

Gene: BBS12 (Bardet-Biedl syndrome 12; plus strand). Cytogenetic location: 4q27.
Variant type: single nucleotide variant.
Coding change: c.689T>C on transcript NM_152618.3 (MANE Select); coding-DNA position 689, T replaced by C.
Protein change: p.Ile230Thr; replaces isoleucine 230 with threonine.
Molecular consequence: missense variant.
Genome position (GRCh38, 1-based): chr4:122,742,581, T>C. VCF-style: chr4-122742581-T-C. GRCh37 (hg19) VCF-style: chr4-123663736-T-C.
Other names: c.689T>C, p.Ile230Thr (NM_001178007.2); short protein forms I230T.
Identifiers: ClinVar variation 4999934 (VCV004999934.1).

ClinVar aggregate classification (germline): Uncertain significance (1 of 4 stars; one submission).

Conditions:
BBS12-related disorder. Also called: BBS12-related condition.

gnomAD v4.1: 1 of 1,614,230 alleles (0.000062%); highest among the groups gnomAD compares: Non-Finnish European, 0.000085%; no homozygotes.

Submission:

PreventionGenetics, part of Exact Sciences
Classification: Uncertain significance for BBS12-related condition. Last evaluated: 2025-04-16. Review status: criteria provided, single submitter. Criteria: ACMG Guidelines, 2015. Collection method: clinical testing. Allele origin: germline.
Comment: The BBS12 c.689T>C variant is predicted to result in the amino acid substitution p.Ile230Thr. To our knowledge, this variant has not been reported in the literature. This variant is reported in 0.00088% of alleles in individuals of European (Non-Finnish) descent in gnomAD. At this time, the clinical significance of this variant is uncertain due to the absence of conclusive functional and genetic evidence.